The following is an entry in ClinVar:

NM_006231.4(POLE):c.1456C>G (p.Pro486Ala)

Gene: POLE (DNA polymerase epsilon, catalytic subunit; minus strand). Cytogenetic location: 12q24.33.
Variant type: single nucleotide variant.
Coding change: c.1456C>G on transcript NM_006231.4 (MANE Select); coding-DNA position 1456, C replaced by G.
Protein change: p.Pro486Ala; replaces proline 486 with alanine.
Molecular consequence: missense variant.
Genome position (GRCh38, 1-based): chr12:132,673,181, G>C on the plus strand (C>G on the coding strand, the complement: POLE is on the minus strand). VCF-style: chr12-132673181-G-C. GRCh37 (hg19) VCF-style: chr12-133249767-G-C.
Other names: short protein forms P486A.
Identifiers: ClinVar variation 1491096 (VCV001491096.8), dbSNP rs1565972431, ClinGen allele CA387358134.

ClinVar aggregate classification (germline): Uncertain significance (1 of 4 stars; one submission).

Submission:

Labcorp Genetics (formerly Invitae), Labcorp
Classification: Uncertain significance. Last evaluated: 2022-01-12. Review status: criteria provided, single submitter. Criteria: Invitae Variant Classification Sherloc (09022015). Collection method: clinical testing. Allele origin: germline.
Comment: Algorithms developed to predict the effect of missense changes on protein structure and function are either unavailable or do not agree on the potential impact of this missense change (SIFT: "Deleterious"; PolyPhen-2: "Probably Damaging"; Align-GVGD: "Class C0"). This variant has not been reported in the literature in individuals affected with POLE-related conditions. This variant is not present in population databases (gnomAD no frequency). This sequence change replaces proline, which is neutral and non-polar, with alanine, which is neutral and non-polar, at codon 486 of the POLE protein (p.Pro486Ala). In summary, the available evidence is currently insufficient to determine the role of this variant in disease. Therefore, it has been classified as a Variant of Uncertain Significance.